The following is an entry in ClinVar:

NM_004006.3(DMD):c.8922C>A (p.His2974Gln)

Gene: DMD (dystrophin; minus strand). Cytogenetic location: Xp21.2.
Variant type: single nucleotide variant.
Coding change: c.8922C>A on transcript NM_004006.3 (MANE Select); coding-DNA position 8922, C replaced by A.
Protein change: p.His2974Gln; replaces histidine 2974 with glutamine.
Molecular consequence: missense variant.
Genome position (GRCh38, 1-based): chrX:31,478,121, G>T on the plus strand (C>A on the coding strand, the complement: DMD is on the minus strand). VCF-style: chrX-31478121-G-T. GRCh37 (hg19) VCF-style: chrX-31496238-G-T.
Other names: c.8898C>A, p.His2966Gln (NM_000109.4); c.8910C>A, p.His2970Gln (NM_004009.3); c.8553C>A, p.His2851Gln (NM_004010.3); c.4899C>A, p.His1633Gln (NM_004011.4); c.4890C>A, p.His1630Gln (NM_004012.4); c.1542C>A, p.His514Gln (NM_004013.3, NM_004020.4, NM_004021.3 and 2 more transcripts); c.735C>A, p.His245Gln (NM_004014.3); short protein forms H2966Q, H1633Q, H1630Q, H2970Q, H245Q, H2851Q, H2974Q, H514Q.
Identifiers: ClinVar variation 2051556 (VCV002051556.4), dbSNP rs2525291408, ClinGen allele CA412653868.

ClinVar aggregate classification (germline): Uncertain significance (1 of 4 stars; one submission).

Conditions:
Duchenne muscular dystrophy (DMD). Also called: MUSCULAR DYSTROPHY, PSEUDOHYPERTROPHIC PROGRESSIVE, DUCHENNE TYPE; Duchenne Muscular Dystrophy (DMD). Identifiers: Orphanet 98896, MedGen C0013264, MONDO:0010679, OMIM 310200.

Submission:

Labcorp Genetics (formerly Invitae), Labcorp
Classification: Uncertain significance for Duchenne muscular dystrophy. Last evaluated: 2022-07-09. Review status: criteria provided, single submitter. Criteria: Invitae Variant Classification Sherloc (09022015). Collection method: clinical testing. Allele origin: germline.
Comment: This sequence change replaces histidine, which is basic and polar, with glutamine, which is neutral and polar, at codon 2974 of the DMD protein (p.His2974Gln). This variant is not present in population databases (gnomAD no frequency). This variant has not been reported in the literature in individuals affected with DMD-related conditions. Algorithms developed to predict the effect of missense changes on protein structure and function (SIFT, PolyPhen-2, Align-GVGD) all suggest that this variant is likely to be tolerated. In summary, the available evidence is currently insufficient to determine the role of this variant in disease. Therefore, it has been classified as a Variant of Uncertain Significance.